The following is an entry in ClinVar:

NM_000552.5(VWF):c.1319G>A (p.Cys440Tyr)

Gene: VWF (von Willebrand factor; minus strand). Cytogenetic location: 12p13.31.
Variant type: single nucleotide variant.
Coding change: c.1319G>A on transcript NM_000552.5 (MANE Select); coding-DNA position 1319, G replaced by A.
Protein change: p.Cys440Tyr; replaces cysteine 440 with tyrosine.
Molecular consequence: missense variant.
Genome position (GRCh38, 1-based): chr12:6,064,359, C>T on the plus strand (G>A on the coding strand, the complement: VWF is on the minus strand). VCF-style: chr12-6064359-C-T. GRCh37 (hg19) VCF-style: chr12-6173525-C-T.
Other names: short protein forms C440Y.
Identifiers: ClinVar variation 1683263 (VCV001683263.1), dbSNP rs372938917, ClinGen allele CA6403452.

ClinVar aggregate classification (germline): Uncertain significance (1 of 4 stars; one submission).

Allele frequency attached by ClinVar (database versions not stated): gnomAD 0.00001; gnomAD exomes 0.00001; TOPMed 0.00001; ExAC 0.00002; ESP Exome Variant Server 0.00008.
gnomAD v4.1: 1 of 1,614,036 alleles (0.000062%); highest among the groups gnomAD compares: African/African-American, 0.0013%; no homozygotes.

Submission:

Women's Health and Genetics/Laboratory Corporation of America, LabCorp
Classification: Uncertain significance. Last evaluated: 2022-04-19. Review status: criteria provided, single submitter. Criteria: LabCorp Variant Classification Summary - May 2015. Collection method: clinical testing. Allele origin: germline.
Comment: Variant summary: VWF c.1319G>A (p.Cys440Tyr) results in a non-conservative amino acid change located in the von Willebrand factor, type D domain (IPR001846) of the encoded protein sequence. Four of five in-silico tools predict a damaging effect of the variant on protein function. The variant allele was found at a frequency of 8e-06 in 249946 control chromosomes (gnomAD). The available data on variant occurrences in the general population are insufficient to allow any conclusion about variant significance. To our knowledge, no occurrence of c.1319G>A in individuals affected with Von Willebrand Disease and no experimental evidence demonstrating its impact on protein function have been reported. No clinical diagnostic laboratories have submitted clinical-significance assessments for this variant to ClinVar after 2014. Based on the evidence outlined above, the variant was classified as uncertain significance.